The following is an entry in ClinVar:

NM_003491.4(NAA10):c.359A>C (p.His120Pro)

Gene: NAA10 (N-alpha-acetyltransferase 10, NatA catalytic subunit; minus strand). Cytogenetic location: Xq28.
Variant type: single nucleotide variant.
Coding change: c.359A>C on transcript NM_003491.4 (MANE Select); coding-DNA position 359, A replaced by C.
Protein change: p.His120Pro; replaces histidine 120 with proline.
Molecular consequence: missense variant. On other transcripts: intron variant (1).
Genome position (GRCh38, 1-based): chrX:153,932,098, T>G on the plus strand (A>C on the coding strand, the complement: NAA10 is on the minus strand). VCF-style: chrX-153932098-T-G. GRCh37 (hg19) VCF-style: chrX-153197551-T-G.
Other names: c.341A>C, p.His114Pro (NM_001256120.2); c.341+218A>C (NM_001256119.2); short protein forms H114P, H120P.
Identifiers: ClinVar variation 4853898 (VCV004853898.1).
Genomic context (GRCh38, chrX:153,932,098, plus strand): 5'-CCCAGCCCATTAGAAAAATCGAGATCTACTTACTGAAAGTTGAGGGTGTTGGAATAGAGG[T>G]GCAGGGCGGCCCGGTTACTGCAGGGGAACAAGGCACTGCTGAGCTGCACGGATTTGGCCA-3'
Protein context (NP_003482.1, residues 110-130): HVRKSNRAAL[His120Pro]LYSNTLNFQI

ClinVar aggregate classification (germline): Likely pathogenic (1 of 4 stars; one submission).

Conditions:
Ogden syndrome (OGDNS). Also called: N-TERMINAL ACETYLTRANSFERASE DEFICIENCY. Identifiers: Orphanet 276432, MedGen C3275447, MONDO:0010457, OMIM 300855.

Submission:

3billion
Classification: Likely pathogenic for Ogden syndrome. Last evaluated: 2025-06-02. Review status: criteria provided, single submitter. Criteria: ACMG Guidelines, 2015. Collection method: clinical testing. Allele origin: germline. Affected: yes.
Comment: The variant is not observed in the gnomAD v4.1.0 dataset. Predicted Consequence/Location: Missense variant. Missense changes are a common disease-causing mechanism. Damaging effect on gene or gene product predicted by in silico programs is uncertain [REVEL: 0.45 (damaging >=0.6, benign <0.4), 3Cnet: 0.34 (damaging >0.75, benign <0.1)]. The variant has been previously reported as de novo in a similarly affected individual (PMID: 31785789). Therefore, this variant is classified as Likely pathogenic according to the recommendation of ACMG/AMP guideline.

Literature cited by the submitters: PubMed 31785789.